The following is an entry in ClinVar:

ClinVar aggregate classification (germline): Benign/Likely benign. Review status: criteria provided, multiple submitters, no conflicts (2 of 4 stars). 2 submissions from 2 submitters: Benign (1); Likely benign (1). Last evaluated 2025-02-24.

Conditions:
Breast-ovarian cancer, familial, susceptibility to, 4. Identifiers: Orphanet 145, MedGen C3280345, MONDO:0013669, OMIM 614291.
Hereditary cancer-predisposing syndrome. Also called: Neoplastic Syndromes, Hereditary; Hereditary Cancer Syndrome; Hereditary neoplastic syndrome; Tumor predisposition. Identifiers: Orphanet 140162, MedGen C0027672, MeSH D009386, MONDO:0015356.

Submissions (2):

Myriad Genetics, Inc.
Classification: Benign for Breast-ovarian cancer, familial, susceptibility to, 4. Last evaluated: 2025-02-24. Review status: criteria provided, single submitter. Criteria: Myriad Autosomal Dominant, Autosomal Recessive and X-Linked Classification Criteria (2023). Collection method: clinical testing. Allele origin: unknown.
Comment: This variant is considered benign. This variant is a silent/synonymous amino acid change and it is not expected to impact splicing.

Ambry Genetics
Classification: Likely benign for Hereditary cancer-predisposing syndrome. Last evaluated: 2023-03-22. Review status: criteria provided, single submitter. Criteria: Ambry Variant Classification Scheme 2023. Collection method: clinical testing. Allele origin: germline.

NM_002878.4(RAD51D):c.801C>G (p.Ser267=)

Genes: RAD51L3-RFFL (RAD51L3-RFFL readthrough; minus strand), RAD51D (RAD51 paralog D; minus strand). Cytogenetic location: 17q12.
Variant type: single nucleotide variant.
Coding change: c.801C>G on transcript NM_002878.4 (MANE Select); coding-DNA position 801, C replaced by G.
Protein change: p.Ser267=; no amino-acid change (serine 267 retained).
Molecular consequence: synonymous variant. On other transcripts: non-coding transcript variant (3).
Genome position (GRCh38, 1-based): chr17:35,101,303, G>C on the plus strand (C>G on the coding strand, the complement: RAD51D is on the minus strand). VCF-style: chr17-35101303-G-C. GRCh37 (hg19) VCF-style: chr17-33428322-G-C.
Other names: c.861C>G, p.Ser287= (NM_001142571.2); c.465C>G, p.Ser155= (NM_133629.3).
Identifiers: ClinVar variation 2563026 (VCV002563026.3), dbSNP rs2509124901, ClinGen allele CA499728816.